The following is an entry in ClinVar:

ClinVar aggregate classification (germline): Conflicting classifications of pathogenicity. Review status: criteria provided, conflicting classifications (1 of 4 stars). 3 submissions from 3 submitters: Likely pathogenic (1); Uncertain significance (1). 1 of the submissions does not count toward it. Last evaluated 2024-01-10.

Conditions:
KCNV2-related disorder. Also called: KCNV2-related condition.
cone dystrophy with supernormal rod electroretinogram.

Allele frequency attached by ClinVar (database versions not stated): gnomAD 0.00001; gnomAD exomes 0.00001; TOPMed 0.00001; ExAC 0.00002.
gnomAD v4.1: 10 of 1,611,044 alleles (0.00062%); highest among the groups gnomAD compares: Middle Eastern, 0.016%; no homozygotes.

Submissions (3):

Blueprint Genetics
Classification: Likely pathogenic for KCNV2-related disorders. Last evaluated: 2024-01-10. Review status: criteria provided, single submitter. Criteria: ACMG Guidelines, 2015. Collection method: clinical testing. Allele origin: germline. Affected: yes. Observed: 5 variant alleles.

Labcorp Genetics (formerly Invitae), Labcorp
Classification: Uncertain significance. Last evaluated: 2022-07-09. Review status: criteria provided, single submitter. Criteria: Invitae Variant Classification Sherloc (09022015). Collection method: clinical testing. Allele origin: germline.
Comment: This sequence change replaces alanine, which is neutral and non-polar, with aspartic acid, which is acidic and polar, at codon 261 of the KCNV2 protein (p.Ala261Asp). The frequency data for this variant in the population databases is considered unreliable, as metrics indicate poor data quality at this position in the gnomAD database. This missense change has been observed in individuals with cone dystrophy with supernormal rod response or cone dystrophy (PMID: 21882291, 22264887, 23143909, 23725738, 31456290). ClinVar contains an entry for this variant (Variation ID: 812342). Advanced modeling of protein sequence and biophysical properties (such as structural, functional, and spatial information, amino acid conservation, physicochemical variation, residue mobility, and thermodynamic stability) performed at Invitae indicates that this missense variant is not expected to disrupt KCNV2 protein function. In summary, the available evidence is currently insufficient to determine the role of this variant in disease. Therefore, it has been classified as a Variant of Uncertain Significance.

Sharon lab, Hadassah-Hebrew University Medical Center
Classification: Pathogenic for cone dystrophy with supernormal rod electroretinogram. Last evaluated: 2019-06-23. Review status: no assertion criteria provided. Collection method: research. Allele origin: inherited. Affected: yes. Not counted in ClinVar's aggregate classification.

Literature cited by the submitters: PubMed 21882291 (cited by Labcorp Genetics (formerly Invitae), Labcorp); PubMed 22264887 (cited by Labcorp Genetics (formerly Invitae), Labcorp); PubMed 23143909 (cited by Labcorp Genetics (formerly Invitae), Labcorp); PubMed 23725738 (cited by Labcorp Genetics (formerly Invitae), Labcorp); PubMed 31456290 (cited by Labcorp Genetics (formerly Invitae), Labcorp).

NM_133497.4(KCNV2):c.782C>A (p.Ala261Asp)

Gene: KCNV2 (potassium voltage-gated channel modifier subfamily V member 2; plus strand). Cytogenetic location: 9p24.2.
Variant type: single nucleotide variant.
Coding change: c.782C>A on transcript NM_133497.4 (MANE Select); coding-DNA position 782, C replaced by A.
Protein change: p.Ala261Asp; replaces alanine 261 with aspartic acid.
Molecular consequence: missense variant.
Genome position (GRCh38, 1-based): chr9:2,718,521, C>A. VCF-style: chr9-2718521-C-A. GRCh37 (hg19) VCF-style: chr9-2718521-C-A.
Other names: short protein forms A261D.
Identifiers: ClinVar variation 812342 (VCV000812342.7), dbSNP rs755071813, ClinGen allele CA4965621.